The following is an entry in ClinVar:

NM_017514.5(PLXNA3):c.1940G>C (p.Cys647Ser)

Gene: PLXNA3 (plexin A3; plus strand). Cytogenetic location: Xq28.
Variant type: single nucleotide variant.
Coding change: c.1940G>C on transcript NM_017514.5 (MANE Select); coding-DNA position 1940, G replaced by C.
Protein change: p.Cys647Ser; replaces cysteine 647 with serine.
Molecular consequence: missense variant.
Genome position (GRCh38, 1-based): chrX:154,464,765, G>C. VCF-style: chrX-154464765-G-C. GRCh37 (hg19) VCF-style: chrX-153693108-G-C.
Other names: short protein forms C647S.
Identifiers: ClinVar variation 3772219 (VCV003772219.13).

ClinVar aggregate classification (germline): Uncertain significance (1 of 4 stars; one submission).

Submission:

CeGaT Center for Human Genetics Tuebingen
Classification: Uncertain significance. Last evaluated: 2025-01-01. Review status: criteria provided, single submitter. Criteria: CeGaT Center For Human Genetics Tuebingen Variant Classification Criteria Version 2. Collection method: clinical testing. Allele origin: germline. Affected: yes. Observed: 1 variant allele.
Comment: PLXNA3: PM2, PP3